The following is an entry in ClinVar:

NM_014080.4(DUOX2):c.-1842C>T

Genes: DUOX2 (dual oxidase 2; minus strand), DUOXA2 (dual oxidase maturation factor 2; plus strand). Cytogenetic location: 15q21.1.
Variant type: single nucleotide variant.
Coding change: c.-1842C>T on transcript NM_014080.4; 1842 bases upstream of the start codon, C replaced by T.
Molecular consequence: missense variant (on NM_207581.4).
Genome position (GRCh38, 1-based): chr15:45,115,800, G>A on the plus strand (C>T on the coding strand, the complement: DUOX2 is on the minus strand). VCF-style: chr15-45115800-G-A. GRCh37 (hg19) VCF-style: chr15-45407998-G-A.
Other names: c.149G>A, p.Arg50His (NM_207581.4); short protein forms R50H.
Identifiers: ClinVar variation 2577093 (VCV002577093.1), dbSNP rs567165362, ClinGen allele CA7539262.

ClinVar aggregate classification (germline): Uncertain significance (1 of 4 stars; one submission).

Allele frequency attached by ClinVar (database versions not stated): gnomAD 0.00003; 1000 Genomes Project 0.00020; TOPMed 0.00003; ExAC 0.00002; 1000 Genomes Project 30x 0.00016.
gnomAD v4.1: 21 of 1,614,136 alleles (0.0013%); highest among the groups gnomAD compares: Middle Eastern, 0.016%; no homozygotes.

Submission:

Women's Health and Genetics/Laboratory Corporation of America, LabCorp
Classification: Uncertain significance. Last evaluated: 2023-07-24. Review status: criteria provided, single submitter. Criteria: LabCorp Variant Classification Summary - May 2015. Collection method: clinical testing. Allele origin: germline.
Comment: Variant summary: DUOX2 c.-1842C>T is located in the untranscribed region upstream of the DUOX2 gene region, however, also corresponds to DUOXA2 (NM_207581) c.149G>A (p.R50H) where three of three in silico tools predict a damaging effect of the variant on protein function. The variant allele was found at a frequency of 1.8e-05 in 281560 control chromosomes (i.e., 5 heterozygotes; gnomAD v2.1.1). The available data on variant occurrences in the general population are insufficient to allow any conclusion about variant significance. c.-1842C>T has been reported as DUOXA2 c.149G>A in the literature in at least two heterozygous individuals affected with congenital hypothyroidism (e.g., Wang_2021), however no second DUOXA2 or DUOX2 variant was identified in either individual. This report therefore does not provide unequivocal conclusions about association of the variant with Thyroid Dyshormonogenesis 6. To our knowledge, no experimental evidence demonstrating an impact on protein function has been reported. The following publication was ascertained in the context of this evaluation (PMID: 33631011). No submitters have reported clinical-significance assessments for this variant to ClinVar after 2014. Based on the evidence outlined above, the variant was classified as uncertain significance.

Literature cited by the submitters: PubMed 33631011.